The following is an entry in ClinVar:

NM_021830.5(TWNK):c.1802G>A (p.Arg601Gln)

Gene: TWNK (twinkle mtDNA helicase; plus strand). Cytogenetic location: 10q24.31.
Variant type: single nucleotide variant.
Coding change: c.1802G>A on transcript NM_021830.5 (MANE Select); coding-DNA position 1802, G replaced by A.
Protein change: p.Arg601Gln; replaces arginine 601 with glutamine.
Molecular consequence: missense variant. On other transcripts: 3 prime UTR variant (2), non-coding transcript variant (5).
Genome position (GRCh38, 1-based): chr10:100,993,257, G>A. VCF-style: chr10-100993257-G-A. GRCh37 (hg19) VCF-style: chr10-102753014-G-A.
Other names: c.*97G>A (NM_001163812.2, NM_001163814.2); c.440G>A, p.Arg147Gln (NM_001163813.2, NM_001368275.1); short protein forms R147Q, R601Q.
Identifiers: ClinVar variation 1256303 (VCV001256303.30), dbSNP rs141315771, ClinGen allele CA5653347.
Genomic context (GRCh38, chr10:100,993,257, plus strand): 5'-AGGAAGCAGACAATGTTCTGATCCTGCAGGACAGGAAGCTGGTAACCGGGCCAGGGAAAC[G>A]GTATCTGCAGGTGTCCAAGAACCGCTTTGATGGAGATGTAGGTGTCTTCCCGCTTGAGTT-3'
Protein context (NP_068602.2, residues 591-611): DRKLVTGPGK[Arg601Gln]YLQVSKNRFD

ClinVar aggregate classification (germline): Conflicting classifications of pathogenicity. Review status: criteria provided, conflicting classifications (1 of 4 stars). 6 submissions from 6 submitters: Pathogenic (1); Uncertain significance (4). 1 of the submissions does not count toward it. Last evaluated 2025-10-02.

Conditions:
Perrault syndrome. Also called: Gonadal dysgenesis with auditory dysfunction, autosomal recessive inheritance. Identifiers: Orphanet 2855, MedGen C0685838, MONDO:0017312.
TWNK-related disorder. Also called: TWNK-related condition.

Allele frequency attached by ClinVar (database versions not stated): gnomAD exomes 0.00005 and 0.00003; ESP Exome Variant Server 0.00015; TOPMed 0.00001; gnomAD 0.00002 and 0.00003; ExAC 0.00003.
gnomAD v4.1: 70 of 1,614,080 alleles (0.0043%); highest among the groups gnomAD compares: Non-Finnish European, 0.0056%; no homozygotes.

Submissions (6):

Labcorp Genetics (formerly Invitae), Labcorp
Classification: Pathogenic. Last evaluated: 2025-10-02. Review status: criteria provided, single submitter. Criteria: Invitae Variant Classification Sherloc (09022015). Collection method: clinical testing. Allele origin: germline.
Comment: This sequence change replaces arginine, which is basic and polar, with glutamine, which is neutral and polar, at codon 601 of the TWNK protein (p.Arg601Gln). This variant is present in population databases (rs141315771, gnomAD 0.006%). This missense change has been observed in individual(s) with autosomal recessive Perrault syndrome (PMID: 28178980). In at least one individual the data is consistent with being in trans (on the opposite chromosome) from a pathogenic variant. It has also been observed to segregate with disease in related individuals. ClinVar contains an entry for this variant (Variation ID: 1256303). Invitae Evidence Modeling of protein sequence and biophysical properties (such as structural, functional, and spatial information, amino acid conservation, physicochemical variation, residue mobility, and thermodynamic stability) indicates that this missense variant is expected to disrupt TWNK protein function with a positive predictive value of 95%. For these reasons, this variant has been classified as Pathogenic.

PreventionGenetics, part of Exact Sciences
Classification: Uncertain significance for TWNK-related condition. Last evaluated: 2025-01-30. Review status: criteria provided, single submitter. Criteria: ACMG Guidelines, 2015. Collection method: clinical testing. Allele origin: germline.
Comment: The TWNK c.1802G>A variant is predicted to result in the amino acid substitution p.Arg601Gln. This variant was reported in compound heterozygous state together with second variant in TWNK in two sisters affected with Perrault syndrome (Ołdak et al. 2017. PubMed ID: 28178980). This variant is listed as uncertain by several submitters in ClinVar. This variant is reported in 0.0065% of alleles in individuals of South Asian descent in gnomAD. At this time, the clinical significance of this variant is uncertain due to the absence of conclusive functional and genetic evidence.

CeGaT Center for Human Genetics Tuebingen
Classification: Uncertain significance. Last evaluated: 2023-02-01. Review status: criteria provided, single submitter. Criteria: CeGaT Center For Human Genetics Tuebingen Variant Classification Criteria Version 2. Collection method: clinical testing. Allele origin: germline. Affected: yes. Observed: 1 variant allele.
Comment: TWNK: PM2, BP4

Women's Health and Genetics/Laboratory Corporation of America, LabCorp
Classification: Uncertain significance. Last evaluated: 2022-08-22. Review status: criteria provided, single submitter. Criteria: LabCorp Variant Classification Summary - May 2015. Collection method: clinical testing. Allele origin: germline.
Comment: Variant summary: C10orf2 (also known as TWNK) c.1802G>A/p.Arg601Gln results in a conservative amino acid change located in the DNA helicase, DnaB-like, C-terminal domain (IPR007694) of the encoded protein sequence. Three of five in-silico tools predict a benign effect of the variant on protein function. The variant allele was found at a frequency of 2.8e-05 in 282894 control chromosomes (gnomAD). c.1802G>A has been reported as a biallelic genotype in the literature in two sisters affected with Perrault syndrome (Oldak_2017). These data indicate that the variant may be associated with disease. To our knowledge, no experimental evidence demonstrating an impact on protein function has been reported. One ClinVar submitter has assessed the variant since 2014: the variant was classified as uncertain significance. Based on the evidence outlined above, the variant was classified as VUS-possibly pathogenic.

Athena Diagnostics
Classification: Uncertain significance. Last evaluated: 2020-12-14. Review status: criteria provided, single submitter. Criteria: Athena Diagnostics criteria. Collection method: clinical testing. Allele origin: unknown.

GeneReviews
No classification provided. Condition: Perrault syndrome. Review status: no classification provided. Collection method: literature only. Allele origin: germline. Not counted in ClinVar's aggregate classification.

Literature cited by the submitters: PubMed 28178980 (cited by 4 submitters).